The following is an entry in ClinVar:

NM_001042492.3(NF1):c.5054_5058del (p.Ser1684_Trp1685insTer)

Gene: NF1 (neurofibromin 1; plus strand). Cytogenetic location: 17q11.2.
Variant type: Deletion.
Coding change: c.5054_5058del on transcript NM_001042492.3 (MANE Select); coding-DNA positions 5054 to 5058, 5 bases deleted (GGGTC; older notation c.5054_5058delGGGTC).
Protein change: p.Ser1684_Trp1685insTer.
Molecular consequence: nonsense. On other transcripts: frameshift variant (1).
Genome position (GRCh38, 1-based): chr17:31,326,038-31,326,042, GGGTC deleted. VCF-style (leftmost placement, unchanged base first): chr17-31326037-TGGGTC-T. GRCh37 (hg19) VCF-style: chr17-29653055-TGGGTC-T.
Other names: c.4991_4995delGGGTC, p.Trp1664Terfs (NM_000267.4).
Identifiers: ClinVar variation 2744234 (VCV002744234.3), dbSNP rs2508696558, ClinGen allele CA2697559559.

ClinVar aggregate classification (germline): Pathogenic (1 of 4 stars; one submission).

Conditions:
Neurofibromatosis, type 1 (NF1). Also called: Peripheral type neurofibromatosis; NEUROFIBROMATOSIS, TYPE I, SOMATIC; VON RECKLINGHAUSEN DISEASE; Neurofibromatosis, type I. Identifiers: Orphanet 636, MedGen C0027831, MONDO:0018975, OMIM 162200. Disease mechanism: loss of function.

Submission:

Labcorp Genetics (formerly Invitae), Labcorp
Classification: Pathogenic for Neurofibromatosis, type 1. Last evaluated: 2023-07-17. Review status: criteria provided, single submitter. Criteria: Invitae Variant Classification Sherloc (09022015). Collection method: clinical testing. Allele origin: germline.
Comment: For these reasons, this variant has been classified as Pathogenic. Algorithms developed to predict the effect of sequence changes on RNA splicing suggest that this variant may create or strengthen a splice site. This variant has not been reported in the literature in individuals affected with NF1-related conditions. This variant is not present in population databases (gnomAD no frequency). This sequence change creates a premature translational stop signal (p.Trp1664*) in the NF1 gene. It is expected to result in an absent or disrupted protein product. Loss-of-function variants in NF1 are known to be pathogenic (PMID: 10712197, 23913538).

Literature cited by the submitters: PubMed 10712197; PubMed 23913538.